The following is an entry in ClinVar:

ClinVar aggregate classification (germline): Uncertain significance (1 of 4 stars; one submission).

Conditions:
Familial cancer of breast. Also called: BREAST CANCER, FAMILIAL; Hereditary breast cancer; hereditary breast carcinoma. Identifiers: Orphanet 227535, MedGen C0346153, MONDO:0016419, OMIM 114480. Disease mechanism: loss of function.

Submission:

Labcorp Genetics (formerly Invitae), Labcorp
Classification: Uncertain significance for Familial cancer of breast. Last evaluated: 2022-01-05. Review status: criteria provided, single submitter. Criteria: Invitae Variant Classification Sherloc (09022015). Collection method: clinical testing. Allele origin: germline.
Comment: Variants that disrupt the consensus splice site are a relatively common cause of aberrant splicing (PMID: 17576681, 9536098). Algorithms developed to predict the effect of sequence changes on RNA splicing suggest that this variant may disrupt the consensus splice site. In summary, the available evidence is currently insufficient to determine the role of this variant in disease. Therefore, it has been classified as a Variant of Uncertain Significance. ClinVar contains an entry for this variant (Variation ID: 530127). This variant has not been reported in the literature in individuals affected with CHEK2-related conditions. This variant is not present in population databases (gnomAD no frequency). This sequence change falls in intron 9 of the CHEK2 gene. It does not directly change the encoded amino acid sequence of the CHEK2 protein. It affects a nucleotide within the consensus splice site.

Literature cited by the submitters: PubMed 17576681; PubMed 9536098.

NM_007194.4(CHEK2):c.1009-3del

Gene: CHEK2 (checkpoint kinase 2; minus strand). Cytogenetic location: 22q12.1.
Variant type: Deletion.
Coding change: c.1009-3del on transcript NM_007194.4 (MANE Select); 3 bases into the intron before coding-DNA position 1009, one base deleted (T; older notation c.1009-3delT).
Molecular consequence: intron variant.
Genome position (GRCh38, 1-based): chr22:28,696,990, A deleted on the plus strand (T on the coding strand, the reverse complement: CHEK2 is on the minus strand). VCF-style (leftmost placement, unchanged base first): chr22-28696989-TA-T. GRCh37 (hg19) VCF-style: chr22-29092977-TA-T.
Other names: c.346-3del (NM_001437942.1, NM_001257387.3); c.808-3del (NM_001349956.3); c.1009-1117del (NM_145862.3); c.1102-1117del (NM_001438295.1); c.1102-3del (NM_001438293.1); c.1138-1117del (NM_001438294.1); c.1138-3del (NM_001005735.3).
Identifiers: ClinVar variation 530127 (VCV000530127.9), dbSNP rs1555914390, ClinGen allele CA658799508.